The following is an entry in ClinVar:

ClinVar aggregate classification (germline): Uncertain significance (1 of 4 stars; one submission).

Conditions:
MYBPC1-related disorder. Also called: MYBPC1-related condition.

Allele frequency attached by ClinVar (database versions not stated): TOPMed 0.00001.

Submission:

PreventionGenetics, part of Exact Sciences
Classification: Uncertain significance for MYBPC1-related condition. Last evaluated: 2023-04-03. Review status: criteria provided, single submitter. Criteria: ACMG Guidelines, 2015. Collection method: clinical testing. Allele origin: germline.
Comment: The MYBPC1 c.3293C>T variant is predicted to result in the amino acid substitution p.Pro1098Leu. To our knowledge, this variant has not been reported in the literature or in a large population database, indicating this variant is rare. At this time, the clinical significance of this variant is uncertain due to the absence of conclusive functional and genetic evidence.

NM_002465.4(MYBPC1):c.3293C>T (p.Pro1098Leu)

Gene: MYBPC1 (myosin binding protein C1; plus strand). Cytogenetic location: 12q23.2.
Variant type: single nucleotide variant.
Coding change: c.3293C>T on transcript NM_002465.4 (MANE Select); coding-DNA position 3293, C replaced by T.
Protein change: p.Pro1098Leu; replaces proline 1098 with leucine.
Molecular consequence: missense variant.
Genome position (GRCh38, 1-based): chr12:101,680,389, C>T. VCF-style: chr12-101680389-C-T. GRCh37 (hg19) VCF-style: chr12-102074167-C-T.
Other names: c.3272C>T, p.Pro1091Leu (NM_001254718.3, NM_206820.4); c.3218C>T, p.Pro1073Leu (NM_001254719.3, NM_206821.4); c.3182C>T, p.Pro1061Leu (NM_001254720.3); c.3161C>T, p.Pro1054Leu (NM_001254721.3, NM_001404676.1, NM_001404678.1); c.3140C>T, p.Pro1047Leu (NM_001254722.3, NM_001404680.1); c.3179C>T, p.Pro1060Leu (NM_001254723.3); c.3293C>T, p.Pro1098Leu (NM_001404675.1, NM_206819.4); c.3083C>T, p.Pro1028Leu (NM_001404677.1, NM_001404679.1, NM_001404681.1); short protein forms P1028L, P1047L, P1054L, P1060L, P1061L, P1073L, P1091L, P1098L.
Identifiers: ClinVar variation 2633708 (VCV002633708.1), dbSNP rs1288089571, ClinGen allele CA386279547.